The following is an entry in ClinVar:

NM_031308.4(EPPK1):c.6795G>A (p.Ala2265=)

Gene: EPPK1 (epiplakin 1; minus strand). Cytogenetic location: 8q24.3.
Variant type: single nucleotide variant.
Coding change: c.6795G>A on transcript NM_031308.4 (MANE Select); coding-DNA position 6795, G replaced by A.
Protein change: p.Ala2265=; no amino-acid change (alanine 2265 retained).
Molecular consequence: synonymous variant.
Genome position (GRCh38, 1-based): chr8:143,866,459, C>T on the plus strand (G>A on the coding strand, the complement: EPPK1 is on the minus strand). VCF-style: chr8-143866459-C-T.
Identifiers: ClinVar variation 3048170 (VCV003048170.1), dbSNP rs1259292712, ClinGen allele CA848824432.

ClinVar aggregate classification (germline): Likely benign (1 of 4 stars; one submission).

Conditions:
EPPK1-related disorder. Also called: EPPK1-related condition.

Allele frequency attached by ClinVar (database versions not stated): gnomAD 0.00009; 1000 Genomes Project 30x 0.00047.
gnomAD v4.1: 155 of 1,451,932 alleles (0.011%); highest among the groups gnomAD compares: South Asian, 0.12%; no homozygotes.

Submission:

PreventionGenetics, part of Exact Sciences
Classification: Likely benign for EPPK1-related condition. Last evaluated: 2021-11-04. Review status: criteria provided, single submitter. Criteria: ACMG Guidelines, 2015. Collection method: clinical testing. Allele origin: germline.
Comment: This variant is classified as likely benign based on ACMG/AMP sequence variant interpretation guidelines (Richards et al. 2015 PMID: 25741868, with internal and published modifications).